The following is an entry in ClinVar:

ClinVar aggregate classification (germline): Uncertain significance (1 of 4 stars; one submission).

gnomAD v4.1: 3 of 1,601,806 alleles (0.00019%); highest among the groups gnomAD compares: South Asian, 0.0023%; no homozygotes.

Submission:

Women's Health and Genetics/Laboratory Corporation of America, LabCorp
Classification: Uncertain significance. Last evaluated: 2024-05-13. Review status: criteria provided, single submitter. Criteria: LabCorp Variant Classification Summary - May 2015. Collection method: clinical testing. Allele origin: germline.
Comment: Variant summary: CHAMP1 c.2372A>G (p.His791Arg) results in a non-conservative amino acid change in the encoded protein sequence. Three of five in-silico tools predict a benign effect of the variant on protein function. The variant allele was found at a frequency of 4.1e-06 in 242320 control chromosomes. The available data on variant occurrences in the general population are insufficient to allow any conclusion about variant significance. To our knowledge, no occurrence of c.2372A>G in individuals affected with Intellectual Disability, Autosomal Dominant 40 and no experimental evidence demonstrating its impact on protein function have been reported. No submitters have cited clinical-significance assessments for this variant to ClinVar. Based on the evidence outlined above, the variant was classified as uncertain significance.

NM_032436.4(CHAMP1):c.2372A>G (p.His791Arg)

Gene: CHAMP1 (chromosome alignment maintaining phosphoprotein 1; plus strand). Cytogenetic location: 13q34.
Variant type: single nucleotide variant.
Coding change: c.2372A>G on transcript NM_032436.4 (MANE Select); coding-DNA position 2372, A replaced by G.
Protein change: p.His791Arg; replaces histidine 791 with arginine.
Molecular consequence: missense variant.
Genome position (GRCh38, 1-based): chr13:114,326,214, A>G. VCF-style: chr13-114326214-A-G. GRCh37 (hg19) VCF-style: chr13-115091689-A-G.
Other names: c.2372A>G, p.His791Arg (NM_001164144.3, NM_001164145.3); short protein forms H791R.
Identifiers: ClinVar variation 3336009 (VCV003336009.1).